The following is an entry in ClinVar:

ClinVar aggregate classification (germline): Conflicting classifications of pathogenicity. Review status: criteria provided, conflicting classifications (1 of 4 stars). 4 submissions from 4 submitters: Uncertain significance (3); Likely benign (1). Last evaluated 2025-09-15.

Conditions:
Cardiovascular phenotype. Identifiers: MedGen CN230736.
Primary familial hypertrophic cardiomyopathy (HCM). Identifiers: Orphanet 99739, MedGen C0949658, MeSH D024741, MONDO:0024573. Inheritance: Various modes of inheritance.
Hypertrophic cardiomyopathy. Also called: HYPERTROPHIC MYOCARDIOPATHY. Identifiers: Orphanet 217569, MedGen C0007194, MeSH D002312, MONDO:0005045, HP:0001639.

Allele frequency attached by ClinVar (database versions not stated): TOPMed 0.00001.
gnomAD v4.1: 1 of 1,608,574 alleles (0.000062%); highest among the groups gnomAD compares: Non-Finnish European, 0.000085%; no homozygotes.

Submissions (4):

Labcorp Genetics (formerly Invitae), Labcorp
Classification: Uncertain significance for Hypertrophic cardiomyopathy. Last evaluated: 2025-09-15. Review status: criteria provided, single submitter. Criteria: Invitae Variant Classification Sherloc (09022015). Collection method: clinical testing. Allele origin: germline.
Comment: This sequence change replaces glycine, which is neutral and non-polar, with arginine, which is basic and polar, at codon 20 of the JPH2 protein (p.Gly20Arg). This variant is not present in population databases (gnomAD no frequency). This variant has not been reported in the literature in individuals affected with JPH2-related conditions. ClinVar contains an entry for this variant (Variation ID: 520525). An algorithm developed to predict the effect of missense changes on protein structure and function (PolyPhen-2) suggests that this variant is likely to be disruptive. In summary, the available evidence is currently insufficient to determine the role of this variant in disease. Therefore, it has been classified as a Variant of Uncertain Significance.

Ambry Genetics
Classification: Likely benign for Cardiovascular phenotype. Last evaluated: 2025-09-08. Review status: criteria provided, single submitter. Criteria: Ambry Variant Classification Scheme 2023. Collection method: clinical testing. Allele origin: germline.

Blueprint Genetics
Classification: Uncertain significance. Last evaluated: 2017-10-06. Review status: criteria provided, single submitter. Criteria: ACMG Guidelines, 2015. Collection method: clinical testing. Allele origin: germline.

Molecular Diagnostic Laboratory for Inherited Cardiovascular Disease, Montreal Heart Institute
Classification: Uncertain significance for Primary familial hypertrophic cardiomyopathy. Last evaluated: 2017-06-05. Review status: criteria provided, single submitter. Criteria: ACMG Guidelines, 2015. Collection method: clinical testing. Allele origin: germline. Affected: yes.

NM_020433.5(JPH2):c.58G>A (p.Gly20Arg)

Gene: JPH2 (junctophilin 2; minus strand). Cytogenetic location: 20q13.12.
Variant type: single nucleotide variant.
Coding change: c.58G>A on transcript NM_020433.5 (MANE Select); coding-DNA position 58, G replaced by A.
Protein change: p.Gly20Arg; replaces glycine 20 with arginine.
Molecular consequence: missense variant.
Genome position (GRCh38, 1-based): chr20:44,186,648, C>T on the plus strand (G>A on the coding strand, the complement: JPH2 is on the minus strand). VCF-style: chr20-44186648-C-T. GRCh37 (hg19) VCF-style: chr20-42815288-C-T.
Other names: c.58G>A, p.Gly20Arg (NM_175913.4); short protein forms G20R.
Identifiers: ClinVar variation 520525 (VCV000520525.6), dbSNP rs988100071, ClinGen allele CA409095623.